The following is an entry in ClinVar:

NM_000489.6(ATRX):c.371-4C>G

Gene: ATRX (ATRX chromatin remodeler; minus strand). Cytogenetic location: Xq21.1.
Variant type: single nucleotide variant.
Coding change: c.371-4C>G on transcript NM_000489.6 (MANE Select); 4 bases into the intron before coding-DNA position 371, C replaced by G.
Molecular consequence: intron variant.
Genome position (GRCh38, 1-based): chrX:77,693,941, G>C on the plus strand (C>G on the coding strand, the complement: ATRX is on the minus strand). VCF-style: chrX-77693941-G-C. GRCh37 (hg19) VCF-style: chrX-76949430-G-C.
Other names: c.370+2636C>G (NM_138270.5).
Identifiers: ClinVar variation 643315 (VCV000643315.1), dbSNP rs1603240656, ClinGen allele CA915951282.

ClinVar aggregate classification (germline): Uncertain significance (1 of 4 stars; one submission).

Conditions:
Alpha thalassemia-X-linked intellectual disability syndrome (ATRX). Also called: ALPHA-THALASSEMIA/IMPAIRED INTELLECTUAL DEVELOPMENT SYNDROME, X-LINKED; ALPHA-THALASSEMIA/MENTAL RETARDATION SYNDROME, X-LINKED; ATR, NONDELETION TYPE; X-linked alpha-thalassemia-mental retardation syndrome; ATR-X syndrome; Alpha thalassemia mental retardation syndrome, nondeletion type, X-linked. Identifiers: Orphanet 847, MedGen C1845055, MONDO:0010519, OMIM 301040.

Submission:

Labcorp Genetics (formerly Invitae), Labcorp
Classification: Uncertain significance for ATR-X syndrome. Last evaluated: 2018-10-25. Review status: criteria provided, single submitter. Criteria: Invitae Variant Classification Sherloc (09022015). Collection method: clinical testing. Allele origin: germline.
Comment: This sequence change falls in intron 5 of the ATRX gene. It does not directly change the encoded amino acid sequence of the ATRX protein. This variant is not present in population databases (ExAC no frequency). This variant has not been reported in the literature in individuals with ATRX-related disease. Algorithms developed to predict the effect of sequence changes on RNA splicing suggest that this variant may create or strengthen a splice site, but this prediction has not been confirmed by published transcriptional studies. In summary, the available evidence is currently insufficient to determine the role of this variant in disease. Therefore, it has been classified as a Variant of Uncertain Significance.